The following is an entry in ClinVar:

NM_000321.3(RB1):c.2396_2398delinsATA (p.Ile799_Pro800delinsAsnThr)

Gene: RB1 (RB transcriptional corepressor 1; plus strand). Cytogenetic location: 13q14.2.
Variant type: Indel.
Coding change: c.2396_2398delinsATA on transcript NM_000321.3 (MANE Select); coding-DNA positions 2396 to 2398, TTC replaced by ATA.
Protein change: p.Ile799_Pro800delinsAsnThr.
Molecular consequence: missense variant.
Genome position (GRCh38, 1-based): chr13:48,465,275-48,465,277, TTC replaced by ATA. VCF-style: chr13-48465275-TTC-ATA. GRCh37 (hg19) VCF-style: chr13-49039411-TTC-ATA.
Other names: c.2396_2398delinsATA, p.Ile799_Pro800delinsAsnThr (NM_001407165.1).
Identifiers: ClinVar variation 2565219 (VCV002565219.2), dbSNP rs2542375897, ClinGen allele CA2580614726.
Genomic context (GRCh38, chr13:48,465,275, plus strand): 5'-TGTCACCAATACCTCACATTCCTCGAAGCCCTTACAAGTTTCCTAGTTCACCCTTACGGA[TTC>ATA]CTGGAGGGAACATCTATATTTCACCCCTGAAGAGTCCATATAAAATTTCAGAAGGTCTGC-3'

ClinVar aggregate classification (germline): Uncertain significance (1 of 4 stars; one submission).

Conditions:
Hereditary cancer-predisposing syndrome. Also called: Neoplastic Syndromes, Hereditary; Hereditary Cancer Syndrome; Hereditary neoplastic syndrome; Tumor predisposition. Identifiers: Orphanet 140162, MedGen C0027672, MeSH D009386, MONDO:0015356.

Submission:

Ambry Genetics
Classification: Uncertain significance for Hereditary cancer-predisposing syndrome. Last evaluated: 2023-04-21. Review status: criteria provided, single submitter. Criteria: Ambry Variant Classification Scheme 2023. Collection method: clinical testing. Allele origin: germline.
Comment: The c.2396_2398delTTCinsATA variant (also known as p.I799_P800delinsNT), located in coding exon 23 of the RB1 gene, results from an in-frame deletion of TTC and insertion of ATA at nucleotide positions 2396 to 2398. This results in the deletion of 2 residues (IP) and insertion of 2 new residues (NT) at codons 799 and 800. These amino acid positions are generally well conserved in available vertebrate species. In addition, the in silico prediction for this alteration is inconclusive (Choi Y et al. PLoS ONE. 2012; 7(10):e46688). Since supporting evidence is limited at this time, the clinical significance of this alteration remains unclear.